The following is an entry in ClinVar:

NM_001042432.2(CLN3):c.322A>G (p.Thr108Ala)

Gene: CLN3 (CLN3 lysosomal/endosomal transmembrane protein, battenin; minus strand). Cytogenetic location: 16p12.1.
Variant type: single nucleotide variant.
Coding change: c.322A>G on transcript NM_001042432.2 (MANE Select); coding-DNA position 322, A replaced by G.
Protein change: p.Thr108Ala; replaces threonine 108 with alanine.
Molecular consequence: missense variant. On other transcripts: intron variant (1).
Genome position (GRCh38, 1-based): chr16:28,487,714, T>C on the plus strand (A>G on the coding strand, the complement: CLN3 is on the minus strand). VCF-style: chr16-28487714-T-C. GRCh37 (hg19) VCF-style: chr16-28499035-T-C.
Other names: c.322A>G, p.Thr108Ala (NM_000086.2); c.250A>G, p.Thr84Ala (NM_001286104.2); c.88A>G, p.Thr30Ala (NM_001286109.2); c.160A>G, p.Thr54Ala (NM_001286110.2); c.75-173A>G (NM_001286105.2); short protein forms T108A, T30A, T84A, T54A.
Identifiers: ClinVar variation 1430670 (VCV001430670.5), dbSNP rs1302804526, ClinGen allele CA395346110.

ClinVar aggregate classification (germline): Uncertain significance (1 of 4 stars; one submission).

Conditions:
Neuronal ceroid lipofuscinosis. Also called: Neuronal Ceroid Lipofuscinoses. Identifiers: Orphanet 216, Orphanet 79263, MedGen C0027877, MONDO:0016295. Disease mechanism: loss of function.

gnomAD v4.1: 1 of 1,613,824 alleles (0.000062%); highest among the groups gnomAD compares: Admixed American, 0.0017%; no homozygotes.

Submission:

Labcorp Genetics (formerly Invitae), Labcorp
Classification: Uncertain significance for Neuronal ceroid lipofuscinosis. Last evaluated: 2022-10-17. Review status: criteria provided, single submitter. Criteria: Invitae Variant Classification Sherloc (09022015). Collection method: clinical testing. Allele origin: germline.
Comment: This sequence change replaces threonine, which is neutral and polar, with alanine, which is neutral and non-polar, at codon 108 of the CLN3 protein (p.Thr108Ala). This variant is not present in population databases (gnomAD no frequency). This variant has not been reported in the literature in individuals affected with CLN3-related conditions. ClinVar contains an entry for this variant (Variation ID: 1430670). Advanced modeling of protein sequence and biophysical properties (such as structural, functional, and spatial information, amino acid conservation, physicochemical variation, residue mobility, and thermodynamic stability) performed at Invitae indicates that this missense variant is not expected to disrupt CLN3 protein function. In summary, the available evidence is currently insufficient to determine the role of this variant in disease. Therefore, it has been classified as a Variant of Uncertain Significance.